The following is an entry in ClinVar:

NM_000126.4(ETFA):c.45A>C (p.Ser15=)

Gene: ETFA (electron transfer flavoprotein subunit alpha; minus strand). Cytogenetic location: 15q24.2.
Variant type: single nucleotide variant.
Coding change: c.45A>C on transcript NM_000126.4 (MANE Select); coding-DNA position 45, A replaced by C.
Protein change: p.Ser15=; no amino-acid change (serine 15 retained).
Molecular consequence: synonymous variant. On other transcripts: intron variant (1).
Genome position (GRCh38, 1-based): chr15:76,295,732, T>G on the plus strand (A>C on the coding strand, the complement: ETFA is on the minus strand). VCF-style: chr15-76295732-T-G. GRCh37 (hg19) VCF-style: chr15-76588073-T-G.
Other names: c.40-3032A>C (NM_001127716.2).
Identifiers: ClinVar variation 4874346 (VCV004874346.2).

ClinVar aggregate classification (germline): Likely benign (1 of 4 stars; one submission).

Submission:

CeGaT Center for Human Genetics Tuebingen
Classification: Likely benign. Last evaluated: 2026-04-01. Review status: criteria provided, single submitter. Criteria: CeGaT Center For Human Genetics Tuebingen Variant Classification Criteria Version 2. Collection method: clinical testing. Allele origin: germline. Affected: yes. Observed: 1 variant allele.
Comment: ETFA: PM2:Supporting, BP4, BP7